The following is an entry in ClinVar:

ClinVar aggregate classification (germline): Uncertain significance (1 of 4 stars; one submission).

Submission:

Labcorp Genetics (formerly Invitae), Labcorp
Classification: Uncertain significance. Last evaluated: 2019-03-04. Review status: criteria provided, single submitter. Criteria: Invitae Variant Classification Sherloc (09022015). Collection method: clinical testing. Allele origin: germline.
Comment: Algorithms developed to predict the effect of missense changes on protein structure and function are either unavailable or do not agree on the potential impact of this missense change (SIFT: "Deleterious"; PolyPhen-2: "Probably Damaging"; Align-GVGD: "Class C15"). In summary, the available evidence is currently insufficient to determine the role of this variant in disease. Therefore, it has been classified as a Variant of Uncertain Significance. This variant has not been reported in the literature in individuals with MSH3-related conditions. This variant is not present in population databases (ExAC no frequency). This sequence change replaces isoleucine with phenylalanine at codon 272 of the MSH3 protein (p.Ile272Phe). The isoleucine residue is highly conserved and there is a small physicochemical difference between isoleucine and phenylalanine.

NM_002439.5(MSH3):c.814A>T (p.Ile272Phe)

Gene: MSH3 (mutS homolog 3; plus strand). Cytogenetic location: 5q14.1.
Variant type: single nucleotide variant.
Coding change: c.814A>T on transcript NM_002439.5 (MANE Select); coding-DNA position 814, A replaced by T.
Protein change: p.Ile272Phe; replaces isoleucine 272 with phenylalanine.
Molecular consequence: missense variant.
Genome position (GRCh38, 1-based): chr5:80,672,265, A>T. VCF-style: chr5-80672265-A-T. GRCh37 (hg19) VCF-style: chr5-79968084-A-T.
Other names: short protein forms I272F.
Identifiers: ClinVar variation 845569 (VCV000845569.9), dbSNP rs1749739851, ClinGen allele CA360267092.
Genomic context (GRCh38, chr5:80,672,265, plus strand): 5'-AATATAAATTTATTGATATTTTCTTTTTTCATTTTTTAGATTGCAGCCCGAGAGCTCAAT[A>T]TTTATTGCCATTTAGATCACAACTTTATGACAGCAAGTATACCTACTCACAGACTGTTTG-3'
Protein context (NP_002430.3, residues 262-282): DAEIAARELN[Ile272Phe]YCHLDHNFMT